The following is an entry in ClinVar:

ClinVar aggregate classification (germline): Pathogenic. Review status: criteria provided, multiple submitters, no conflicts (2 of 4 stars). 2 submissions from 2 submitters: Pathogenic (2). Last evaluated 2025-05-07.

Conditions:
Cardiovascular phenotype. Identifiers: MedGen CN230736.
Telangiectasia, hereditary hemorrhagic, type 2 (HHT2). Also called: Telangiectasia, hereditary hemorrhagic, type II; ACVRL1-Related Hereditary Hemorrhagic Telangiectasia. Identifiers: Orphanet 774, MedGen C1838163, MONDO:0010880, OMIM 600376. Disease mechanism: loss of function.

Submissions (2):

Ambry Genetics
Classification: Pathogenic for Cardiovascular phenotype. Last evaluated: 2025-05-07. Review status: criteria provided, single submitter. Criteria: Ambry Variant Classification Scheme 2023. Collection method: clinical testing. Allele origin: germline.
Comment: The p.P433S pathogenic mutation (also known as c.1297C>T), located in coding exon 8 of the ACVRL1 gene, results from a C to T substitution at nucleotide position 1297. The proline at codon 433 is replaced by serine, an amino acid with similar properties. This variant has been detected in individuals reported to have hereditary hemorrhagic telangiectasia (HHT), and was reported to segregate with disease in four affected members of one family (Argyriou L et al. Liver Transpl., 2005 Sep;11:1132-5; Letteboer TG et al. Hum. Genet., 2005 Jan;116:8-16; Ambry internal data). This amino acid position is highly conserved in available vertebrate species. In addition, this alteration is predicted to be deleterious by in silico analysis. This variant is considered to be rare based on population cohorts in the Genome Aggregation Database (gnomAD). Based on the supporting evidence, this variant is interpreted as a disease-causing mutation.

Labcorp Genetics (formerly Invitae), Labcorp
Classification: Pathogenic for Telangiectasia, hereditary hemorrhagic, type 2. Last evaluated: 2023-11-27. Review status: criteria provided, single submitter. Criteria: Invitae Variant Classification Sherloc (09022015). Collection method: clinical testing. Allele origin: germline.
Comment: This sequence change replaces proline, which is neutral and non-polar, with serine, which is neutral and polar, at codon 433 of the ACVRL1 protein (p.Pro433Ser). This variant is not present in population databases (gnomAD no frequency). This missense change has been observed in individual(s) with hereditary hemorrhagic telangiectasia (PMID: 15517393, 16123970). It has also been observed to segregate with disease in related individuals. ClinVar contains an entry for this variant (Variation ID: 1070764). Advanced modeling of protein sequence and biophysical properties (such as structural, functional, and spatial information, amino acid conservation, physicochemical variation, residue mobility, and thermodynamic stability) performed at Invitae indicates that this missense variant is expected to disrupt ACVRL1 protein function with a positive predictive value of 95%. This variant disrupts the p.Pro433 amino acid residue in ACVRL1. Other variant(s) that disrupt this residue have been observed in individuals with ACVRL1-related conditions (PMID: 16752392, 31594285), which suggests that this may be a clinically significant amino acid residue. For these reasons, this variant has been classified as Pathogenic.

Literature cited by the submitters: PubMed 15517393 (cited by Ambry Genetics and Labcorp Genetics (formerly Invitae), Labcorp); PubMed 16123970 (cited by Ambry Genetics and Labcorp Genetics (formerly Invitae), Labcorp); PubMed 16752392 (cited by Labcorp Genetics (formerly Invitae), Labcorp); PubMed 31594285 (cited by Labcorp Genetics (formerly Invitae), Labcorp).

NM_000020.3(ACVRL1):c.1297C>T (p.Pro433Ser)

Gene: ACVRL1 (activin A receptor like type 1; plus strand). Cytogenetic location: 12q13.13.
Variant type: single nucleotide variant.
Coding change: c.1297C>T on transcript NM_000020.3 (MANE Select); coding-DNA position 1297, C replaced by T.
Protein change: p.Pro433Ser; replaces proline 433 with serine.
Molecular consequence: missense variant.
Genome position (GRCh38, 1-based): chr12:51,919,035, C>T. VCF-style: chr12-51919035-C-T. GRCh37 (hg19) VCF-style: chr12-52312819-C-T.
Other names: c.1297C>T, p.Pro433Ser (NM_001077401.2); short protein forms P433S.
Identifiers: ClinVar variation 1070764 (VCV001070764.12), dbSNP rs2139084154, ClinGen allele CA384903892.